The following is an entry in ClinVar:

ClinVar aggregate classification (germline): Uncertain significance (1 of 4 stars; one submission).

Submission:

CeGaT Center for Human Genetics Tuebingen
Classification: Uncertain significance. Last evaluated: 2023-07-01. Review status: criteria provided, single submitter. Criteria: CeGaT Center For Human Genetics Tuebingen Variant Classification Criteria Version 2. Collection method: clinical testing. Allele origin: germline. Affected: yes. Observed: 1 variant allele.
Comment: KCNC3: PM2, PP2, PP3

NM_004977.3(KCNC3):c.1859A>C (p.His620Pro)

Gene: KCNC3 (potassium voltage-gated channel subfamily C member 3; minus strand). Cytogenetic location: 19q13.33.
Variant type: single nucleotide variant.
Coding change: c.1859A>C on transcript NM_004977.3 (MANE Select); coding-DNA position 1859, A replaced by C.
Protein change: p.His620Pro; replaces histidine 620 with proline.
Molecular consequence: missense variant.
Genome position (GRCh38, 1-based): chr19:50,323,094, T>G on the plus strand (A>C on the coding strand, the complement: KCNC3 is on the minus strand). VCF-style: chr19-50323094-T-G. GRCh37 (hg19) VCF-style: chr19-50826351-T-G.
Other names: c.1631A>C, p.His544Pro (NM_001372305.1); short protein forms H544P, H620P.
Identifiers: ClinVar variation 2650319 (VCV002650319.24), dbSNP rs2123533418, ClinGen allele CA406949707.